The following is an entry in ClinVar:

ClinVar aggregate classification (germline): Uncertain significance (1 of 4 stars; one submission).

Submission:

Labcorp Genetics (formerly Invitae), Labcorp
Classification: Uncertain significance. Last evaluated: 2025-02-11. Review status: criteria provided, single submitter. Criteria: Invitae Variant Classification Sherloc (09022015). Collection method: clinical testing. Allele origin: germline.
Comment: This sequence change replaces tyrosine, which is neutral and polar, with aspartic acid, which is acidic and polar, at codon 519 of the ERCC3 protein (p.Tyr519Asp). This variant is not present in population databases (gnomAD no frequency). This variant has not been reported in the literature in individuals affected with ERCC3-related conditions. Invitae Evidence Modeling of protein sequence and biophysical properties (such as structural, functional, and spatial information, amino acid conservation, physicochemical variation, residue mobility, and thermodynamic stability) indicates that this missense variant is expected to disrupt ERCC3 protein function with a positive predictive value of 80%. In summary, the available evidence is currently insufficient to determine the role of this variant in disease. Therefore, it has been classified as a Variant of Uncertain Significance.

NM_000122.2(ERCC3):c.1555T>G (p.Tyr519Asp)

Gene: ERCC3 (ERCC excision repair 3, TFIIH core complex helicase subunit; minus strand). Cytogenetic location: 2q14.3.
Variant type: single nucleotide variant.
Coding change: c.1555T>G on transcript NM_000122.2 (MANE Select); coding-DNA position 1555, T replaced by G.
Protein change: p.Tyr519Asp; replaces tyrosine 519 with aspartic acid.
Molecular consequence: missense variant.
Genome position (GRCh38, 1-based): chr2:127,279,348, A>C on the plus strand (T>G on the coding strand, the complement: ERCC3 is on the minus strand). VCF-style: chr2-127279348-A-C. GRCh37 (hg19) VCF-style: chr2-128036924-A-C.
Other names: c.1363T>G, p.Tyr455Asp (NM_001303416.2, NM_001303418.2); short protein forms Y455D, Y519D.
Identifiers: ClinVar variation 4744890 (VCV004744890.1).